The following is an entry in ClinVar:

ClinVar aggregate classification (germline): Likely pathogenic (1 of 4 stars; one submission).

Allele frequency attached by ClinVar (database versions not stated): gnomAD exomes below 0.00001.
gnomAD v4.1: 1 of 1,613,232 alleles (0.000062%); highest among the groups gnomAD compares: Admixed American, 0.0017%; no homozygotes.

Submission:

Labcorp Genetics (formerly Invitae), Labcorp
Classification: Likely pathogenic. Last evaluated: 2023-03-01. Review status: criteria provided, single submitter. Criteria: Invitae Variant Classification Sherloc (09022015). Collection method: clinical testing. Allele origin: germline.
Comment: This sequence change affects an acceptor splice site in intron 67 of the CDH23 gene. It is expected to disrupt RNA splicing. Variants that disrupt the donor or acceptor splice site typically lead to a loss of protein function (PMID: 16199547), and loss-of-function variants in CDH23 are known to be pathogenic (PMID: 11138009, 21940737). The frequency data for this variant in the population databases is considered unreliable, as metrics indicate poor data quality at this position in the gnomAD database. This variant has not been reported in the literature in individuals affected with CDH23-related conditions. ClinVar contains an entry for this variant (Variation ID: 1068109). Algorithms developed to predict the effect of sequence changes on RNA splicing suggest that this variant may disrupt the consensus splice site. In summary, the currently available evidence indicates that the variant is pathogenic, but additional data are needed to prove that conclusively. Therefore, this variant has been classified as Likely Pathogenic.

Literature cited by the submitters: PubMed 16199547; PubMed 11138009; PubMed 21940737.

NM_022124.6(CDH23):c.9511-1G>A

Gene: CDH23 (cadherin related 23; plus strand). Cytogenetic location: 10q22.1.
Variant type: single nucleotide variant.
Coding change: c.9511-1G>A on transcript NM_022124.6 (MANE Select); the canonical splice acceptor site of the intron before coding-DNA position 9511, G replaced by A.
Molecular consequence: splice acceptor variant.
Genome position (GRCh38, 1-based): chr10:71,812,767, G>A. VCF-style: chr10-71812767-G-A. GRCh37 (hg19) VCF-style: chr10-73572524-G-A.
Other names: c.2791-1G>A (NM_001171933.1, NM_001171934.1); c.202-1G>A (NM_001171935.1, NM_001171936.1).
Identifiers: ClinVar variation 1068109 (VCV001068109.7), dbSNP rs1293118415, ClinGen allele CA377136928.